The following is an entry in ClinVar:

ClinVar aggregate classification (germline): Uncertain significance. Review status: criteria provided, multiple submitters, no conflicts (2 of 4 stars). 3 submissions from 3 submitters: Uncertain significance (3). Last evaluated 2024-03-15.

Conditions:
Inborn genetic diseases. Identifiers: MedGen C0950123, MeSH D030342.
Peroxisome biogenesis disorder 2B (PBD2B). Identifiers: Orphanet 44, MedGen C3550234, MONDO:0008736, OMIM 202370.

Allele frequency attached by ClinVar (database versions not stated): gnomAD 0.00002; TOPMed 0.00003; gnomAD exomes 0.00005.
gnomAD v4.1: 35 of 1,613,480 alleles (0.0022%); highest among the groups gnomAD compares: Non-Finnish European, 0.003%; no homozygotes.

Submissions (3):

Blueprint Genetics
Classification: Uncertain significance. Last evaluated: 2024-03-15. Review status: criteria provided, single submitter. Criteria: ACMG Guidelines, 2015. Collection method: clinical testing. Allele origin: germline.

Ambry Genetics
Classification: Uncertain significance for Inborn genetic diseases. Last evaluated: 2023-05-23. Review status: criteria provided, single submitter. Criteria: Ambry Variant Classification Scheme 2023. Collection method: clinical testing. Allele origin: germline.

Labcorp Genetics (formerly Invitae), Labcorp
Classification: Uncertain significance for Peroxisome biogenesis disorder 2B. Last evaluated: 2022-09-01. Review status: criteria provided, single submitter. Criteria: Invitae Variant Classification Sherloc (09022015). Collection method: clinical testing. Allele origin: germline.
Comment: This sequence change replaces proline, which is neutral and non-polar, with alanine, which is neutral and non-polar, at codon 39 of the PEX5 protein (p.Pro39Ala). This variant is not present in population databases (gnomAD no frequency). This variant has not been reported in the literature in individuals affected with PEX5-related conditions. ClinVar contains an entry for this variant (Variation ID: 1014355). Algorithms developed to predict the effect of missense changes on protein structure and function (SIFT, PolyPhen-2, Align-GVGD) all suggest that this variant is likely to be tolerated. In summary, the available evidence is currently insufficient to determine the role of this variant in disease. Therefore, it has been classified as a Variant of Uncertain Significance.

NM_001351132.2(PEX5):c.115C>G (p.Pro39Ala)

Gene: PEX5 (peroxisomal biogenesis factor 5; plus strand). Cytogenetic location: 12p13.31.
Variant type: single nucleotide variant.
Coding change: c.115C>G on transcript NM_001351132.2 (MANE Select); coding-DNA position 115, C replaced by G.
Protein change: p.Pro39Ala; replaces proline 39 with alanine.
Molecular consequence: missense variant.
Genome position (GRCh38, 1-based): chr12:7,190,492, C>G. VCF-style: chr12-7190492-C-G. GRCh37 (hg19) VCF-style: chr12-7343088-C-G.
Other names: c.115C>G, p.Pro39Ala (NM_000319.5, NM_001131023.2, NM_001131024.2 and 22 more transcripts); c.115C>G (NM_001131025.1); short protein forms P39A.
Identifiers: ClinVar variation 1014355 (VCV001014355.6), dbSNP rs751937990, ClinGen allele CA6425996.
Genomic context (GRCh38, chr12:7,190,492, plus strand): 5'-AAGCTCGCCGGGCACTTCACCCAGGACAAGGCCCTTCGGCAGGAGGGATTGAGGCCTGGC[C>G]CCTGGCCCCCCGGAGCCCCGGCCTCTGAGGCAGTGAGTGTTCTTGAGGTGGAAAGCCCAG-3'
Protein context (NP_001338061.1, residues 29-49): ALRQEGLRPG[Pro39Ala]WPPGAPASEA